The following is an entry in ClinVar:

ClinVar aggregate classification (germline): Uncertain significance (1 of 4 stars; one submission).

Allele frequency attached by ClinVar (database versions not stated): TOPMed below 0.00001.

Submission:

Labcorp Genetics (formerly Invitae), Labcorp
Classification: Uncertain significance. Last evaluated: 2025-03-31. Review status: criteria provided, single submitter. Criteria: Invitae Variant Classification Sherloc (09022015). Collection method: clinical testing. Allele origin: germline.
Comment: This sequence change replaces serine, which is neutral and polar, with tyrosine, which is neutral and polar, at codon 679 of the CDH23 protein (p.Ser679Tyr). This variant is not present in population databases (gnomAD no frequency). This variant has not been reported in the literature in individuals affected with CDH23-related conditions. ClinVar contains an entry for this variant (Variation ID: 2188457). Invitae Evidence Modeling of protein sequence and biophysical properties (such as structural, functional, and spatial information, amino acid conservation, physicochemical variation, residue mobility, and thermodynamic stability) has been performed for this missense variant. However, the output from this modeling did not meet the statistical confidence thresholds required to predict the impact of this variant on CDH23 protein function. In summary, the available evidence is currently insufficient to determine the role of this variant in disease. Therefore, it has been classified as a Variant of Uncertain Significance.

NM_022124.6(CDH23):c.2036C>A (p.Ser679Tyr)

Gene: CDH23 (cadherin related 23; plus strand). Cytogenetic location: 10q22.1.
Variant type: single nucleotide variant.
Coding change: c.2036C>A on transcript NM_022124.6 (MANE Select); coding-DNA position 2036, C replaced by A.
Protein change: p.Ser679Tyr; replaces serine 679 with tyrosine.
Molecular consequence: missense variant.
Genome position (GRCh38, 1-based): chr10:71,687,696, C>A. VCF-style: chr10-71687696-C-A. GRCh37 (hg19) VCF-style: chr10-73447453-C-A.
Other names: c.2036C>A, p.Ser679Tyr (NM_001171930.2, NM_001171931.2); short protein forms S679Y.
Identifiers: ClinVar variation 2188457 (VCV002188457.2), dbSNP rs955416872, ClinGen allele CA209436130.